The following is an entry in ClinVar:

ClinVar aggregate classification (germline): Uncertain significance (1 of 4 stars; one submission).

Submission:

GeneDx
Classification: Uncertain significance. Last evaluated: 2024-05-23. Review status: criteria provided, single submitter. Criteria: GeneDx Variant Classification Process June 2021. Collection method: clinical testing. Allele origin: germline. Affected: yes.
Comment: Not observed at significant frequency in large population cohorts (gnomAD); In silico analysis indicates that this missense variant does not alter protein structure/function; Has not been previously published as pathogenic or benign to our knowledge; This variant is associated with the following publications: (PMID: 19245665)

NM_003079.5(SMARCE1):c.83A>G (p.Tyr28Cys)

Gene: SMARCE1 (SWI/SNF related BAF chromatin remodeling complex subunit E1; minus strand). Cytogenetic location: 17q21.2.
Variant type: single nucleotide variant.
Coding change: c.83A>G on transcript NM_003079.5 (MANE Select); coding-DNA position 83, A replaced by G.
Protein change: p.Tyr28Cys; replaces tyrosine 28 with cysteine.
Molecular consequence: missense variant.
Genome position (GRCh38, 1-based): chr17:40,642,528, T>C on the plus strand (A>G on the coding strand, the complement: SMARCE1 is on the minus strand). VCF-style: chr17-40642528-T-C. GRCh37 (hg19) VCF-style: chr17-38798780-T-C.
Other names: short protein forms Y28C.
Identifiers: ClinVar variation 3381662 (VCV003381662.1).